The following is an entry in ClinVar:

NM_004369.4(COL6A3):c.6225G>A (p.Pro2075=)

Gene: COL6A3 (collagen type VI alpha 3 chain; minus strand). Cytogenetic location: 2q37.3.
Variant type: single nucleotide variant.
Coding change: c.6225G>A on transcript NM_004369.4 (MANE Select); coding-DNA position 6225, G replaced by A.
Protein change: p.Pro2075=; no amino-acid change (proline 2075 retained).
Molecular consequence: synonymous variant.
Genome position (GRCh38, 1-based): chr2:237,360,145, C>T on the plus strand (G>A on the coding strand, the complement: COL6A3 is on the minus strand). VCF-style: chr2-237360145-C-T. GRCh37 (hg19) VCF-style: chr2-238268788-C-T.
Other names: c.4404G>A, p.Pro1468= (NM_057166.5); c.5607G>A, p.Pro1869= (NM_057167.4).
Identifiers: ClinVar variation 733074 (VCV000733074.12), dbSNP rs368711215, ClinGen allele CA2188395.

ClinVar aggregate classification (germline): Likely benign. Review status: criteria provided, multiple submitters, no conflicts (2 of 4 stars). 3 submissions from 3 submitters: Likely benign (3). Last evaluated 2026-09-01.

Conditions:
Bethlem myopathy 1A. Also called: Bethlem Muscular Dystrophy; MYOPATHY, BENIGN CONGENITAL, WITH CONTRACTURES; Bethlem myopathy 1. Identifiers: Orphanet 610, MedGen CN029274, MONDO:0024530, OMIM 158810.

Allele frequency attached by ClinVar (database versions not stated): TOPMed 0.00004; ESP Exome Variant Server 0.00008; gnomAD 0.00008 and 0.00009; 1000 Genomes Project 30x 0.00016; 1000 Genomes Project 0.00020.
gnomAD v4.1: 86 of 1,614,130 alleles (0.0053%); highest among the groups gnomAD compares: Middle Eastern, 0.033%; no homozygotes.

Submissions (3):

CeGaT Center for Human Genetics Tuebingen
Classification: Likely benign. Last evaluated: 2026-09-01. Review status: criteria provided, single submitter. Criteria: CeGaT Center For Human Genetics Tuebingen Variant Classification Criteria Version 2. Collection method: clinical testing. Allele origin: germline. Affected: yes. Observed: 1 variant allele.
Comment: COL6A3: BP4, BP7

Labcorp Genetics (formerly Invitae), Labcorp
Classification: Likely benign for Bethlem myopathy 1A. Last evaluated: 2025-10-03. Review status: criteria provided, single submitter. Criteria: Invitae Variant Classification Sherloc (09022015). Collection method: clinical testing. Allele origin: germline.

Revvity Omics, Revvity
Classification: Likely benign. Last evaluated: 2023-11-20. Review status: criteria provided, single submitter. Criteria: ACMG Guidelines, 2015. Collection method: clinical testing. Allele origin: germline.